The following is an entry in ClinVar:

ClinVar aggregate classification (germline): Uncertain significance. Review status: criteria provided, single submitter (1 of 4 stars). 2 submissions from 1 submitter: Uncertain significance (1). 1 of the submissions does not count toward it. Last evaluated 2022-11-03.

Conditions:
Hyperphosphatasia with intellectual disability syndrome 5 (GPIBD11). Also called: GLYCOSYLPHOSPHATIDYLINOSITOL BIOSYNTHESIS DEFECT 11. Identifiers: Orphanet 247262, MedGen C4014958, MONDO:0014457, OMIM 616025.

Submissions (2):

Labcorp Genetics (formerly Invitae), Labcorp
Classification: Uncertain significance for Hyperphosphatasia with intellectual disability syndrome 5. Last evaluated: 2022-11-03. Review status: criteria provided, single submitter. Criteria: Invitae Variant Classification Sherloc (09022015). Collection method: clinical testing. Allele origin: germline.
Comment: A copy number gain of the genomic region encompassing the full coding sequence of the PIGW gene has been identified. The boundaries of this event are unknown as they extend beyond the assayed region for this gene and therefore may encompass additional genes. As the precise location of this event is unknown, it may be in tandem or it may be located elsewhere in the genome. This variant has not been reported in the literature in individuals affected with PIGW-related conditions. In summary, the available evidence is currently insufficient to determine the role of this variant in disease. Therefore, it has been classified as a Variant of Uncertain Significance.

Labcorp Genetics (formerly Invitae), Labcorp
Classification: Uncertain significance. Last evaluated: 2022-11-01. Review status: flagged submission. Criteria: Invitae Variant Classification Sherloc (09022015). Collection method: clinical testing. Allele origin: germline. Not counted in ClinVar's aggregate classification.
Comment: A copy number gain of the genomic region encompassing the full coding sequence of the HNF1B gene has been identified. The boundaries of this event are unknown as they extend beyond the assayed region for this gene and therefore may encompass additional genes. As the precise location of this event is unknown, it may be in tandem or it may be located elsewhere in the genome. Isolated whole-gene copy number gains of HNF1B have not been reported in the literature. However, larger copy number events that include this gene have been reported (PMID: 21540130, 22912587, 26123568). In summary, the available evidence is currently insufficient to determine the role of this variant in disease. Therefore, it has been classified as a Variant of Uncertain Significance.
ClinVar note: Reason: This record appears to be redundant with a more recent record from the same submitter.
ClinVar note: Notes: SCV003793283 appears to be redundant with SCV003796995.

Literature cited by the submitters: PubMed 21540130; PubMed 22912587; PubMed 26123568.

NC_000017.10:g.(?_34892951)_(36104875_?)dup

Genes: ACACA (acetyl-CoA carboxylase alpha; minus strand), AATF (apoptosis antagonizing transcription factor; plus strand), C17orf78 (chromosome 17 open reading frame 78; plus strand), DDX52 (DExD-box helicase 52; minus strand), DHRS11 (dehydrogenase/reductase 11; plus strand) and 8 more. Cytogenetic location: 17q12.
Variant type: Duplication.
Identifiers: ClinVar variation 2423122 (VCV002423122.6).